The following is an entry in ClinVar:

NM_000528.4(MAN2B1):c.2221G>A (p.Gly741Arg)

Gene: MAN2B1 (mannosidase alpha class 2B member 1; minus strand). Cytogenetic location: 19p13.13.
Variant type: single nucleotide variant.
Coding change: c.2221G>A on transcript NM_000528.4 (MANE Select); coding-DNA position 2221, G replaced by A.
Protein change: p.Gly741Arg; replaces glycine 741 with arginine.
Molecular consequence: missense variant.
Genome position (GRCh38, 1-based): chr19:12,649,959, C>T on the plus strand (G>A on the coding strand, the complement: MAN2B1 is on the minus strand). VCF-style: chr19-12649959-C-T. GRCh37 (hg19) VCF-style: chr19-12760773-C-T.
Other names: p.Gly741Arg; c.2218G>A, p.Gly740Arg (NM_001173498.2); short protein forms G741R, G740R.
Identifiers: ClinVar variation 235571 (VCV000235571.22), dbSNP rs61234887, ClinGen allele CA9226157.
Genomic context (GRCh38, chr19:12,649,959, plus strand): 5'-CAGTCACCCCCCACCTCCTCTCCAGGATCTCCCGGCCATTGCTGTCTGTGTAGAAGCGTC[C>T]CTTTGTCTCCAGCGGTGTGTCAAAACGGCTGATGACCTCCTTCCCCCAGGTGTCGCTGTA-3'
Protein context (NP_000519.2, residues 731-751): SRFDTPLETK[Gly741Arg]RFYTDSNGRE

ClinVar aggregate classification (germline): Benign. Review status: criteria provided, multiple submitters, no conflicts (2 of 4 stars). 8 submissions from 8 submitters: Benign (7). 1 of the submissions does not count toward it. Last evaluated 2026-02-04.

Conditions:
Deficiency of alpha-mannosidase (MANSA). Also called: Mannosidosis, alpha-, types I and II; Alpha-Mannosidosis; LYSOSOMAL ALPHA-D-MANNOSIDASE DEFICIENCY. Identifiers: Orphanet 61, MedGen C0024748, MONDO:0009561, OMIM 248500.
Intellectual disability. Also called: Intellectual functioning disability; intellectual disabilities; Intellectual developmental disorder. Identifiers: MedGen C3714756, MeSH D008607, MONDO:0001071, HP:0001249.

Allele frequency attached by ClinVar (database versions not stated): ExAC 0.00516; 1000 Genomes Project 0.01737; gnomAD 0.01841 and 0.01696; gnomAD exomes 0.00166 and 0.00433; 1000 Genomes Project 30x 0.01874; ESP Exome Variant Server 0.01968; TOPMed 0.01930.
gnomAD v4.1: 5,154 of 1,613,858 alleles (0.32%); highest among the groups gnomAD compares: African/African-American, 5.8%; 140 homozygotes.

Submissions (8):

Labcorp Genetics (formerly Invitae), Labcorp
Classification: Benign for Deficiency of alpha-mannosidase. Last evaluated: 2026-02-04. Review status: criteria provided, single submitter. Criteria: Invitae Variant Classification Sherloc (09022015). Collection method: clinical testing. Allele origin: germline.

Fulgent Genetics
Classification: Benign for Deficiency of alpha-mannosidase. Last evaluated: 2021-08-02. Review status: criteria provided, single submitter. Criteria: ACMG Guidelines, 2015. Collection method: clinical testing. Allele origin: unknown.

GeneDx
Classification: Benign. Last evaluated: 2019-03-24. Review status: criteria provided, single submitter. Criteria: GeneDx Variant Classification Process June 2021. Collection method: clinical testing. Allele origin: germline. Affected: yes.

Mayo Clinic Laboratories, Mayo Clinic
Classification: Benign. Last evaluated: 2018-06-05. Review status: criteria provided, single submitter. Criteria: ACMG Guidelines, 2015. Collection method: clinical testing. Allele origin: germline. Observed: 13 variant alleles.

Illumina Laboratory Services, Illumina
Classification: Benign for Deficiency of alpha-mannosidase. Last evaluated: 2018-01-12. Review status: criteria provided, single submitter. Criteria: ICSL Variant Classification Criteria 13 December 2019. Collection method: clinical testing. Allele origin: germline.
Comment: This variant was observed in the ICSL laboratory as part of a predisposition screen in an ostensibly healthy population. It had not been previously curated by ICSL or reported in the Human Gene Mutation Database (HGMD: prior to June 1st, 2018), and was therefore a candidate for classification through an automated scoring system. Utilizing variant allele frequency, disease prevalence and penetrance estimates, and inheritance mode, an automated score was calculated to assess if this variant is too frequent to cause the disease. Based on the score and internal cut-off values, a variant classified as benign is not then subjected to further curation. The score for this variant resulted in a classification of benign for this disease.

Center for Pediatric Genomic Medicine, Children's Mercy Hospital and Clinics
Classification: Benign. Last evaluated: 2015-09-28. Review status: criteria provided, single submitter. Criteria: ACMG Guidelines, 2015. Collection method: clinical testing. Allele origin: germline.

Breakthrough Genomics
Classification: Benign. Review status: criteria provided, single submitter. Criteria: ACMG Guidelines, 2015. Collection method: not provided. Allele origin: germline. Inheritance: Autosomal recessive inheritance. Affected: yes.

Centre de Biologie Pathologie Génétique, Centre Hospitalier Universitaire de Lille
Classification: Likely benign for Intellectual disability. Last evaluated: 2019-01-01. Review status: no assertion criteria provided. Collection method: clinical testing. Allele origin: inherited. Affected: yes. Not counted in ClinVar's aggregate classification.